The following is an entry in ClinVar:

NM_000059.4(BRCA2):c.1012G>A (p.Ala338Thr)

Gene: BRCA2 (BRCA2 DNA repair associated; plus strand). Cytogenetic location: 13q13.1.
Variant type: single nucleotide variant.
Coding change: c.1012G>A on transcript NM_000059.4 (MANE Select); coding-DNA position 1012, G replaced by A.
Protein change: p.Ala338Thr; replaces alanine 338 with threonine.
Molecular consequence: missense variant.
Genome position (GRCh38, 1-based): chr13:32,332,490, G>A. VCF-style: chr13-32332490-G-A. GRCh37 (hg19) VCF-style: chr13-32906627-G-A.
Other names: short protein forms A338T.
Identifiers: ClinVar variation 51048 (VCV000051048.62), dbSNP rs80358396, ClinGen allele CA010336.
Genomic context (GRCh38, chr13:32,332,490, plus strand): 5'-AAAAATCTACAAAAAGTAAGAACTAGCAAGACTAGGAAAAAAATTTTCCATGAAGCAAAC[G>A]CTGATGAATGTGAAAAATCTAAAAACCAAGTGAAAGAAAAATACTCATTTGTATCTGAAG-3'
Protein context (NP_000050.3, residues 328-348): TRKKIFHEAN[Ala338Thr]DECEKSKNQV

ClinVar aggregate classification (germline): Conflicting classifications of pathogenicity. Review status: criteria provided, conflicting classifications (1 of 4 stars). 17 submissions from 16 submitters: Uncertain significance (13); Likely benign (2). 2 of the submissions do not count toward it. Last evaluated 2025-11-23.

Conditions:
Hereditary cancer-predisposing syndrome. Also called: Hereditary Cancer Syndrome; Tumor predisposition; Neoplastic Syndromes, Hereditary; Hereditary neoplastic syndrome. Identifiers: Orphanet 140162, MedGen C0027672, MeSH D009386, MONDO:0015356.
Hereditary breast ovarian cancer syndrome. Also called: Breast and ovarian cancer; BRCA1- and BRCA2-Associated Hereditary Breast and Ovarian Cancer; Hereditary breast and ovarian cancer; Hereditary breast and ovarian cancer syndrome (HBOC); Hereditary breast and ovarian cancer syndrome; Hereditary breast and/or ovarian cancer syndrome. Identifiers: Orphanet 145, MedGen C0677776, MeSH D061325, MONDO:0003582. Disease mechanism: loss of function.
Breast-ovarian cancer, familial, susceptibility to, 2 (BROVCA2). Also called: BRCA2 Hereditary Breast and Ovarian Cancer. Identifiers: Orphanet 145, MedGen C2675520, MONDO:0012933, OMIM 612555. Disease mechanism: loss of function.
Fanconi anemia complementation group D1. Also called: BRCA2-Related Fanconi Anemia. Identifiers: Orphanet 319462, MedGen C1838457, MONDO:0011584, OMIM 605724.

Allele frequency attached by ClinVar (database versions not stated): TOPMed below 0.00001; gnomAD exomes 0.00001 and 0.00003; ExAC 0.00004.
gnomAD v4.1: 16 of 1,609,122 alleles (0.00099%); highest among the groups gnomAD compares: Middle Eastern, 0.017%; no homozygotes.

Submissions 1 to 9 of 17:

Labcorp Genetics (formerly Invitae), Labcorp
Classification: Uncertain significance for Hereditary breast ovarian cancer syndrome. Last evaluated: 2025-11-23. Review status: criteria provided, single submitter. Criteria: Invitae Variant Classification Sherloc (09022015). Collection method: clinical testing. Allele origin: germline.
Comment: This sequence change replaces alanine, which is neutral and non-polar, with threonine, which is neutral and polar, at codon 338 of the BRCA2 protein (p.Ala338Thr). This variant is present in population databases (rs80358396, gnomAD 0.005%). This missense change has been observed in individual(s) with breast and/or ovarian cancer (PMID: 22425665, 30199306, 34196900, 34597585, 39148954). ClinVar contains an entry for this variant (Variation ID: 51048). Invitae Evidence Modeling of protein sequence and biophysical properties (such as structural, functional, and spatial information, amino acid conservation, physicochemical variation, residue mobility, and thermodynamic stability) indicates that this missense variant is not expected to disrupt BRCA2 protein function with a negative predictive value of 95%. In summary, the available evidence is currently insufficient to determine the role of this variant in disease. Therefore, it has been classified as a Variant of Uncertain Significance.

Molecular Diagnostics Laboratory, Catalan Institute of Oncology
Classification: Uncertain significance for Hereditary cancer-predisposing syndrome. Last evaluated: 2025-05-25. Review status: criteria provided, single submitter. Criteria: ClinGen BRCA1BRCA2 ACMG Specifications BRCA2 V1.0.0. Collection method: clinical testing. Allele origin: germline.
Comment: PP4, BP1_Strong c.1012G>A, located in exon 10 of the BRCA2 gene, is predicted to result in the substitution of Alanine by Threonine at codon 338, p.(Ala338Thr). This position is outside a (potentially) clinically important functional domain and, moreover, the SpliceAI algorithm predicts no significant impact on splicing (BP1_strong). It is found in 7/263354 alleles at a frequency of 0.002% in the gnomAD v2.1.1 database, non-cancer dataset. Published clinical data for a multifactorial likelihood analysis (PMID: 31131967) showed a combined LR indicative of moderate evidence towards pathogenicity (LR 3.64), based on co-occurrence (LR 1.102) and family history (LR 3.304) (PP4). To our knowledge, well-stablished functional studies have not been reported for this variant. It has been reported as an uncertain significance variant in ClinVar. Based on the currently available information, c.1012G>A is classified as an uncertain significance variant according to ClinGen-BRCA2 Guidelines version 1.

GeneDx
Classification: Uncertain significance. Last evaluated: 2025-05-23. Review status: criteria provided, single submitter. Criteria: GeneDx Variant Classification Process June 2021. Collection method: clinical testing. Allele origin: germline. Affected: yes.
Comment: Identified in individuals with a personal or family history of breast and/or ovarian cancer (PMID: 22425665, 28477318, 30199306, 34597585, 34196900); In silico analysis suggests that this missense variant does not alter protein structure/function; Also known as 1240G>A; This variant is associated with the following publications: (PMID: 22425665, 30199306, 31131967, 28477318, 34597585, 29884841, 32377563, 34196900, 31853058, 39148954, 37306523)

Quest Diagnostics Nichols Institute San Juan Capistrano
Classification: Uncertain significance. Last evaluated: 2025-05-15. Review status: criteria provided, single submitter. Criteria: Quest Diagnostics criteria. Collection method: clinical testing. Allele origin: unknown.
Comment: The BRCA2 c.1012G>A (p.Ala338Thr) variant has been reported in the published literature in individuals with a personal or family history of breast and/or ovarian cancer (PMIDs: 34597585 (2021), 34196900 (2021), 30199306 (2018), 22425665 (2012)). The frequency of this variant in the general population (Genome Aggregation Database) is uninformative in the assessment of its pathogenicity. Analysis of this variant using bioinformatics tools for the prediction of the effect of amino acid changes on protein structure and function yielded predictions that this variant is benign. Based on the available information, we are unable to determine the clinical significance of this variant.

Hereditary Cancer Laboratory, Hospital Universitario 12 de Octubre
Classification: Uncertain significance for Hereditary cancer-predisposing syndrome. Last evaluated: 2024-09-16. Review status: criteria provided, single submitter. Criteria: ACMG Guidelines, 2015. Collection method: clinical testing. Allele origin: germline.
Comment: PM2 + BP4

CeGaT Center for Human Genetics Tuebingen
Classification: Uncertain significance. Last evaluated: 2024-01-01. Review status: criteria provided, single submitter. Criteria: CeGaT Center For Human Genetics Tuebingen Variant Classification Criteria Version 2. Collection method: clinical testing. Allele origin: germline. Affected: yes. Observed: 2 variant alleles.
Comment: BRCA2: PM2, BP4

Color Diagnostics, LLC DBA Color Health
Classification: Uncertain significance for Hereditary cancer-predisposing syndrome. Last evaluated: 2023-12-06. Review status: criteria provided, single submitter. Criteria: ACMG Guidelines, 2015. Collection method: clinical testing. Allele origin: germline.
Comment: This missense variant replaces alanine with threonine at codon 338 of the BRCA2 protein. Computational prediction suggests that this variant may not impact protein structure and function (internally defined REVEL score threshold <= 0.5, PMID: 27666373). To our knowledge, functional studies have not been reported for this variant. This variant has been reported in at least three individuals affected with breast and/or ovarian cancer and five unaffected individuals (PMID: 22425665, 30199306, 33471991; Leiden Open Variation Database DB-ID BRCA2_001878). This variant also has been reported in two multifactorial analyses with co-occurrence and family history likelihood ratios for pathogenicity of 1.1022 and 3.304, respectively (PMID: 31131967) and tumor pathology and co-segregation likelihood ratios for pathogenicity of 0.58 and 0.33877369, respectively (PMID: 34597585). This variant has been identified in 7/246458 chromosomes in the general population by the Genome Aggregation Database (gnomAD). The available evidence is insufficient to determine the role of this variant in disease conclusively. Therefore, this variant is classified as a Variant of Uncertain Significance.

KCCC/NGS Laboratory, Kuwait Cancer Control Center
Classification: Uncertain significance for Breast-ovarian cancer, familial, susceptibility to, 2. Last evaluated: 2023-06-06. Review status: criteria provided, single submitter. Criteria: ACMG Guidelines, 2015. Collection method: clinical testing. Allele origin: germline. Affected: yes.
Comment: This sequence change replaces alanine with threonine at codon 338 of the BRCA2 protein (p.Ala338Thr). The alanine residue is weakly conserved and there is a small physicochemical difference between alanine and threonine. This variant is present in population databases (rs80358396, ExAC 0.008%). This missense change has been observed in individual(s) with breast and/or ovarian cancer (PMID: 22425665, 30199306). ClinVar contains an entry for this variant (Variation ID: 51048). Algorithms developed to predict the effect of missense changes on protein structure and function output the following: SIFT: "Tolerated"; PolyPhen-2: "Benign". The threonine amino acid residue is found in multiple mammalian species, which suggests that this missense change does not adversely affect protein function. In summary, the available evidence is currently insufficient to determine the role of this variant in disease. Therefore, it has been classified as a Variant of Uncertain Significance. Pathogenic mutations in the BRCA2 gene cause hereditary breast/ovarian cancer syndrome.

University of Washington Department of Laboratory Medicine, University of Washington
Classification: Likely benign for Hereditary cancer-predisposing syndrome. Last evaluated: 2023-03-23. Review status: criteria provided, single submitter. Criteria: Dines et al. (Genet Med. 2020). Collection method: curation. Allele origin: germline.
Comment: Missense variant in a coldspot region where missense variants are very unlikely to be pathogenic (PMID:31911673).

BRCA2 exon 10 coldspot. Reclassification based on statistical prior probability.